The following is an entry in ClinVar:

ClinVar aggregate classification (germline): Pathogenic. Review status: reviewed by expert panel (3 of 4 stars). 5 submissions from 5 submitters: Pathogenic (1). 4 of the submissions do not count toward it. Last evaluated 2016-09-08.

Conditions:
Hereditary breast ovarian cancer syndrome. Also called: Hereditary breast and ovarian cancer syndrome; Hereditary breast and ovarian cancer; Hereditary breast and ovarian cancer syndrome (HBOC); Breast and ovarian cancer; Hereditary breast and/or ovarian cancer syndrome; BRCA1- and BRCA2-Associated Hereditary Breast and Ovarian Cancer. Identifiers: Orphanet 145, MedGen C0677776, MeSH D061325, MONDO:0003582. Disease mechanism: loss of function.
Breast-ovarian cancer, familial, susceptibility to, 2 (BROVCA2). Also called: BRCA2 Hereditary Breast and Ovarian Cancer. Identifiers: Orphanet 145, MedGen C2675520, MONDO:0012933, OMIM 612555. Disease mechanism: loss of function.

Allele frequency attached by ClinVar (database versions not stated): gnomAD exomes below 0.00001; TOPMed below 0.00001.

Submissions (5):

Evidence-based Network for the Interpretation of Germline Mutant Alleles (ENIGMA)
Classification: Pathogenic for Breast-ovarian cancer, familial, susceptibility to, 2. Last evaluated: 2016-09-08. Review status: reviewed by expert panel. Criteria: ENIGMA BRCA1/2 Classification Criteria (2015). Collection method: curation. Allele origin: germline.
Comment: Variant allele predicted to encode a truncated non-functional protein.

Labcorp Genetics (formerly Invitae), Labcorp
Classification: Pathogenic for Hereditary breast ovarian cancer syndrome. Last evaluated: 2023-06-16. Review status: criteria provided, single submitter. Criteria: Invitae Variant Classification Sherloc (09022015). Collection method: clinical testing. Allele origin: germline. Not counted in ClinVar's aggregate classification.
Comment: ClinVar contains an entry for this variant (Variation ID: 51474). For these reasons, this variant has been classified as Pathogenic. This sequence change creates a premature translational stop signal (p.Asp1163Ilefs*5) in the BRCA2 gene. It is expected to result in an absent or disrupted protein product. Loss-of-function variants in BRCA2 are known to be pathogenic (PMID: 20104584). This variant is not present in population databases (gnomAD no frequency). This premature translational stop signal has been observed in individual(s) with clinical features of hereditary breast and ovarian cancer (HBOC) syndrome (PMID: 15744030, 25103822, 29446198). This variant is also known as 3715delG.

Consortium of Investigators of Modifiers of BRCA1/2 (CIMBA), c/o University of Cambridge
Classification: Pathogenic for Breast-ovarian cancer, familial, susceptibility to, 2. Last evaluated: 2015-10-02. Review status: criteria provided, single submitter. Criteria: CIMBA Mutation Classification guidelines May 2016. Collection method: clinical testing. Allele origin: germline. Not counted in ClinVar's aggregate classification.

Clinical Genetics DNA and cytogenetics Diagnostics Lab, Erasmus MC, Erasmus Medical Center
Classification: Pathogenic. Review status: no assertion criteria provided. Collection method: clinical testing. Allele origin: germline. Affected: yes. Study: VKGL Data-share Consensus. Not counted in ClinVar's aggregate classification.

Diagnostic Laboratory, Department of Genetics, University Medical Center Groningen
Classification: Pathogenic. Review status: no assertion criteria provided. Collection method: clinical testing. Allele origin: germline. Affected: yes. Study: VKGL Data-share Consensus. Not counted in ClinVar's aggregate classification.

Literature cited by the submitters: PubMed 20104584 (cited by Labcorp Genetics (formerly Invitae), Labcorp); PubMed 15744030 (cited by Labcorp Genetics (formerly Invitae), Labcorp); PubMed 25103822 (cited by Labcorp Genetics (formerly Invitae), Labcorp); PubMed 29446198 (cited by Labcorp Genetics (formerly Invitae), Labcorp).

NM_000059.4(BRCA2):c.3487del (p.Asp1163fs)

Gene: BRCA2 (BRCA2 DNA repair associated; plus strand). Cytogenetic location: 13q13.1.
Variant type: Deletion.
Coding change: c.3487del on transcript NM_000059.4 (MANE Select); coding-DNA position 3487, one base deleted (G; older notation c.3487delG).
Protein change: p.Asp1163fs; shifts the reading frame from aspartic acid 1163.
Molecular consequence: frameshift variant.
Genome position (GRCh38, 1-based): chr13:32,337,842, G deleted. VCF-style (leftmost placement, unchanged base first): chr13-32337841-TG-T. GRCh37 (hg19) VCF-style: chr13-32911978-TG-T.
Other names: c.3487delG (NM_000059.3).
Identifiers: ClinVar variation 51474 (VCV000051474.18), dbSNP rs397507672, ClinGen allele CA018156.